The following is an entry in ClinVar:

ClinVar aggregate classification (germline): Uncertain significance (1 of 4 stars; one submission).

Conditions:
Loeys-Dietz syndrome 1 (LDS1). Also called: AORTIC ANEURYSM, FAMILIAL THORACIC 5; TGFBR1-Related Loeys-Dietz Syndrome; FURLONG SYNDROME. Identifiers: Orphanet 60030, MedGen C4551955, MONDO:0012212, OMIM 609192.
Multiple self-healing squamous epithelioma (MSSE). Also called: MULTIPLE SELF-HEALING SQUAMOUS EPITHELIOMA, SUSCEPTIBILITY TO. Identifiers: Orphanet 65748, MedGen C0546476, MONDO:0007566, OMIM 132800.

gnomAD v4.1: 1 of 1,614,144 alleles (0.000062%); highest among the groups gnomAD compares: Non-Finnish European, 0.000085%; no homozygotes.

Submission:

Juno Genomics, Hangzhou Juno Genomics, Inc
Classification: Uncertain significance for Multiple self-healing squamous epithelioma; Loeys-Dietz syndrome 1. Review status: criteria provided, single submitter. Criteria: ACMG Guidelines, 2015. Collection method: clinical testing. Allele origin: germline.
Comment: Absent from controls (or at extremely low frequency if recessive) in Genome Aggregation Database.;Multiple lines of computational evidence support a deleterious effect on the gene or gene product.

NM_004612.4(TGFBR1):c.871T>A (p.Tyr291Asn)

Gene: TGFBR1 (transforming growth factor beta receptor 1; plus strand). Cytogenetic location: 9q22.33.
Variant type: single nucleotide variant.
Coding change: c.871T>A on transcript NM_004612.4 (MANE Select); coding-DNA position 871, T replaced by A.
Protein change: p.Tyr291Asn; replaces tyrosine 291 with asparagine.
Molecular consequence: missense variant. On other transcripts: non-coding transcript variant (4), intron variant (2).
Genome position (GRCh38, 1-based): chr9:99,142,601, T>A. VCF-style: chr9-99142601-T-A. GRCh37 (hg19) VCF-style: chr9-101904883-T-A.
Other names: c.664T>A, p.Tyr222Asn (NM_001407425.1, NM_001407426.1, NM_001407427.1 and 8 more transcripts); c.640T>A, p.Tyr214Asn (NM_001130916.3, NM_001407435.1); c.883T>A, p.Tyr295Asn (NM_001306210.2); c.676T>A, p.Tyr226Asn (NM_001407418.1, NM_001407419.1, NM_001407420.1 and 1 more transcripts); c.625T>A, p.Tyr209Asn (NM_001407436.1); c.163T>A, p.Tyr55Asn (NM_001407437.1); c.394T>A, p.Tyr132Asn (NM_001407438.1); c.818-2131T>A (NM_001407416.1); and 1 more; short protein forms Y209N, Y222N, Y291N, Y55N, Y214N, Y132N, Y226N, Y295N.
Identifiers: ClinVar variation 5007484 (VCV005007484.2).